The following is an entry in ClinVar:

ClinVar aggregate classification (germline): Uncertain significance (1 of 4 stars; one submission).

Allele frequency attached by ClinVar (database versions not stated): TOPMed below 0.00001.

Submission:

GeneDx
Classification: Uncertain significance. Last evaluated: 2021-12-11. Review status: criteria provided, single submitter. Criteria: GeneDx Variant Classification Process June 2021. Collection method: clinical testing. Allele origin: germline. Affected: yes.
Comment: Not observed in large population cohorts (Lek et al., 2016); In silico analysis supports that this missense variant has a deleterious effect on protein structure/function; Has not been previously published as pathogenic or benign to our knowledge

NM_001080517.3(SETD5):c.941A>T (p.Asn314Ile)

Gene: SETD5 (SET domain containing 5; plus strand). Cytogenetic location: 3p25.3.
Variant type: single nucleotide variant.
Coding change: c.941A>T on transcript NM_001080517.3 (MANE Select); coding-DNA position 941, A replaced by T.
Protein change: p.Asn314Ile; replaces asparagine 314 with isoleucine.
Molecular consequence: missense variant.
Genome position (GRCh38, 1-based): chr3:9,441,723, A>T. VCF-style: chr3-9441723-A-T. GRCh37 (hg19) VCF-style: chr3-9483407-A-T.
Other names: c.647A>T, p.Asn216Ile (NM_001292043.2, NM_001349451.2); short protein forms N216I, N314I.
Identifiers: ClinVar variation 1327815 (VCV001327815.2), dbSNP rs2041315307, ClinGen allele CA351689033.